The following is an entry in ClinVar:

NM_007294.4(BRCA1):c.878C>T (p.Thr293Ile)

Gene: BRCA1 (BRCA1 DNA repair associated; minus strand). Cytogenetic location: 17q21.31.
Variant type: single nucleotide variant.
Coding change: c.878C>T on transcript NM_007294.4 (MANE Select); coding-DNA position 878, C replaced by T.
Protein change: p.Thr293Ile; replaces threonine 293 with isoleucine.
Molecular consequence: missense variant. On other transcripts: 5 prime UTR variant (2), intron variant (137).
Genome position (GRCh38, 1-based): chr17:43,094,653, G>A on the plus strand (C>T on the coding strand, the complement: BRCA1 is on the minus strand). VCF-style: chr17-43094653-G-A. GRCh37 (hg19) VCF-style: chr17-41246670-G-A.
Other names: c.677C>T, p.Thr226Ile (NM_001407862.1); c.755C>T, p.Thr252Ile (NM_001407863.1, NM_001407664.1, NM_001407665.1 and 19 more transcripts); c.674C>T, p.Thr225Ile (NM_001407874.1, NM_001407875.1); c.668C>T, p.Thr223Ile (NM_001407879.1, NM_001407881.1, NM_001407882.1 and 13 more transcripts); c.665C>T, p.Thr222Ile (NM_001407899.1, NM_001407853.1, NM_001407894.1 and 9 more transcripts); c.614C>T, p.Thr205Ile (NM_001407925.1, NM_001407926.1, NM_001407927.1 and 9 more transcripts); c.611C>T, p.Thr204Ile (NM_001407930.1, NM_001407931.1, NM_001407932.1 and 2 more transcripts); c.737C>T, p.Thr246Ile (NM_001407944.1, NM_001407945.1, NM_007297.4 and 29 more transcripts); and 40 more; short protein forms T293I, T246I, T223I, T245I, T292I, T166I, T181I, T182I.
Identifiers: ClinVar variation 491193 (VCV000491193.20), dbSNP rs747172803, ClinGen allele CA10600319.

ClinVar aggregate classification (germline): Conflicting classifications of pathogenicity. Review status: criteria provided, conflicting classifications (1 of 4 stars). 7 submissions from 7 submitters: Uncertain significance (5); Likely benign (2). Last evaluated 2026-01-21.

Conditions:
Hereditary breast ovarian cancer syndrome. Also called: Hereditary breast and/or ovarian cancer syndrome; Hereditary breast and ovarian cancer syndrome; Hereditary breast and ovarian cancer; Hereditary breast and ovarian cancer syndrome (HBOC); Breast and ovarian cancer; BRCA1- and BRCA2-Associated Hereditary Breast and Ovarian Cancer. Identifiers: Orphanet 145, MedGen C0677776, MeSH D061325, MONDO:0003582. Disease mechanism: loss of function.
Hereditary cancer-predisposing syndrome. Also called: Tumor predisposition; Hereditary Cancer Syndrome; Neoplastic Syndromes, Hereditary; Hereditary neoplastic syndrome. Identifiers: Orphanet 140162, MedGen C0027672, MeSH D009386, MONDO:0015356.

Submissions (7):

Ambry Genetics
Classification: Uncertain significance for Hereditary cancer-predisposing syndrome. Last evaluated: 2026-01-21. Review status: criteria provided, single submitter. Criteria: Ambry Variant Classification Scheme 2023. Collection method: clinical testing. Allele origin: germline.
Comment: The p.T293I variant (also known as c.878C>T), located in coding exon 9 of the BRCA1 gene, results from a C to T substitution at nucleotide position 878. The threonine at codon 293 is replaced by isoleucine, an amino acid with similar properties. This amino acid position is well conserved in available vertebrate species. In addition, the in silico prediction for this alteration is inconclusive. Based on the available evidence, the clinical significance of this variant remains unclear.

Center for Genomic Medicine, Rigshospitalet, Copenhagen University Hospital
Classification: Likely benign. Last evaluated: 2025-12-29. Review status: criteria provided, single submitter. Criteria: ACMG Guidelines, 2015. Collection method: clinical testing. Allele origin: germline.
Comment: Classification criteria: BP1_strong

Quest Diagnostics Nichols Institute San Juan Capistrano
Classification: Uncertain significance. Last evaluated: 2024-04-27. Review status: criteria provided, single submitter. Criteria: Quest Diagnostics criteria. Collection method: clinical testing. Allele origin: unknown.
Comment: The BRCA1 c.878C>T (p.Thr293Ile) variant has been reported in the published literature to be located in a region of the BRCA1 gene that is tolerant to missense sequence changes (PMID: 31911673 (2020)). To the best of our knowledge, this variant has not been reported in individuals with BRCA1-related disorders. This variant has not been reported in large, multi-ethnic general populations (Genome Aggregation Database). Analysis of this variant using bioinformatics tools for the prediction of the effect of amino acid changes on protein structure and function yielded conflicting predictions that this variant is benign or damaging. Based on the available information, we are unable to determine the clinical significance of this variant.

GeneDx
Classification: Uncertain significance. Last evaluated: 2023-04-19. Review status: criteria provided, single submitter. Criteria: GeneDx Variant Classification Process June 2021. Collection method: clinical testing. Allele origin: germline. Affected: yes.
Comment: Not observed at significant frequency in large population cohorts (gnomAD); In silico analysis supports that this missense variant has a deleterious effect on protein structure/function; Has not been previously published as pathogenic or benign to our knowledge; Also known as 997C>T; This variant is associated with the following publications: (PMID: 20215511, 15343273, 9788437, 9926942, 9582019, 32377563, 29884841, 31911673)

University of Washington Department of Laboratory Medicine, University of Washington
Classification: Likely benign for Hereditary cancer-predisposing syndrome. Last evaluated: 2023-03-23. Review status: criteria provided, single submitter. Criteria: Dines et al. (Genet Med. 2020). Collection method: curation. Allele origin: germline.
Comment: Missense variant in a coldspot region where missense variants are very unlikely to be pathogenic (PMID:31911673).

BRCA1 coldspot (exon 11 using historical exon numbering). Reclassification based on statistical prior probability

Labcorp Genetics (formerly Invitae), Labcorp
Classification: Uncertain significance for Hereditary breast ovarian cancer syndrome. Last evaluated: 2021-04-11. Review status: criteria provided, single submitter. Criteria: Invitae Variant Classification Sherloc (09022015). Collection method: clinical testing. Allele origin: germline.
Comment: This sequence change replaces threonine with isoleucine at codon 293 of the BRCA1 protein (p.Thr293Ile). The threonine residue is moderately conserved and there is a moderate physicochemical difference between threonine and isoleucine. In summary, the available evidence is currently insufficient to determine the role of this variant in disease. Therefore, it has been classified as a Variant of Uncertain Significance. Advanced modeling of protein sequence and biophysical properties (such as structural, functional, and spatial information, amino acid conservation, physicochemical variation, residue mobility, and thermodynamic stability) performed at Invitae indicates that this missense variant is not expected to disrupt BRCA1 protein function. This variant has not been reported in the literature in individuals with BRCA1-related conditions. ClinVar contains an entry for this variant (Variation ID: 491193). This variant is not present in population databases (ExAC no frequency).

Color Diagnostics, LLC DBA Color Health
Classification: Uncertain significance for Hereditary cancer-predisposing syndrome. Last evaluated: 2019-04-12. Review status: criteria provided, single submitter. Criteria: ACMG Guidelines, 2015. Collection method: clinical testing. Allele origin: germline.

Literature cited by the submitters: PubMed 31911673 (cited by Quest Diagnostics Nichols Institute San Juan Capistrano).